The following is an entry in ClinVar:

NM_001159773.2(CANT1):c.250G>A (p.Ala84Thr)

Gene: CANT1 (calcium activated nucleotidase 1; minus strand). Cytogenetic location: 17q25.3.
Variant type: single nucleotide variant.
Coding change: c.250G>A on transcript NM_001159773.2 (MANE Select); coding-DNA position 250, G replaced by A.
Protein change: p.Ala84Thr; replaces alanine 84 with threonine.
Molecular consequence: missense variant.
Genome position (GRCh38, 1-based): chr17:78,997,373, C>T on the plus strand (G>A on the coding strand, the complement: CANT1 is on the minus strand). VCF-style: chr17-78997373-C-T. GRCh37 (hg19) VCF-style: chr17-76993455-C-T.
Other names: c.250G>A, p.Ala84Thr (NM_001159772.2, NM_138793.4); short protein forms A84T.
Identifiers: ClinVar variation 1940913 (VCV001940913.2), dbSNP rs767659113, ClinGen allele CA8808779.

ClinVar aggregate classification (germline): Uncertain significance (1 of 4 stars; one submission).

Allele frequency attached by ClinVar (database versions not stated): gnomAD 0.00001; gnomAD exomes 0.00001; TOPMed 0.00001; ExAC 0.00003.
gnomAD v4.1: 15 of 1,587,584 alleles (0.00094%); highest among the groups gnomAD compares: South Asian, 0.0066%; no homozygotes.

Submission:

Labcorp Genetics (formerly Invitae), Labcorp
Classification: Uncertain significance. Last evaluated: 2022-05-16. Review status: criteria provided, single submitter. Criteria: Invitae Variant Classification Sherloc (09022015). Collection method: clinical testing. Allele origin: germline.
Comment: This sequence change replaces alanine, which is neutral and non-polar, with threonine, which is neutral and polar, at codon 84 of the CANT1 protein (p.Ala84Thr). This variant is present in population databases (rs767659113, gnomAD 0.006%). This variant has not been reported in the literature in individuals affected with CANT1-related conditions. Algorithms developed to predict the effect of missense changes on protein structure and function output the following: SIFT: "Tolerated"; PolyPhen-2: "Benign"; Align-GVGD: "Class C0". The threonine amino acid residue is found in multiple mammalian species, which suggests that this missense change does not adversely affect protein function. In summary, the available evidence is currently insufficient to determine the role of this variant in disease. Therefore, it has been classified as a Variant of Uncertain Significance.